The following is an entry in ClinVar:

ClinVar aggregate classification (germline): Uncertain significance. Review status: criteria provided, multiple submitters, no conflicts (2 of 4 stars). 2 submissions from 2 submitters: Uncertain significance (2). Last evaluated 2024-12-16.

Conditions:
NPR2-related disorder. Also called: NPR2-related condition; NPR2-related disorders.
Acromesomelic dysplasia 1, Maroteaux type (AMD1). Also called: ST. HELENA DYSPLASIA; ACROMESOMELIC DYSPLASIA 1. Identifiers: Orphanet 40, MedGen C1864356, MONDO:0011275, OMIM 602875.
Tall stature-scoliosis-macrodactyly of the great toes syndrome. Also called: Epiphyseal chondrodysplasia, miura type. Identifiers: Orphanet 329191, MedGen C4014690, MONDO:0014401, OMIM 615923.

Allele frequency attached by ClinVar (database versions not stated): ExAC 0.00001; gnomAD 0.00001; gnomAD exomes 0.00001.

Submissions (2):

Labcorp Genetics (formerly Invitae), Labcorp
Classification: Uncertain significance for Tall stature-scoliosis-macrodactyly of the great toes syndrome; Acromesomelic dysplasia 1, Maroteaux type. Last evaluated: 2024-12-16. Review status: criteria provided, single submitter. Criteria: Invitae Variant Classification Sherloc (09022015). Collection method: clinical testing. Allele origin: germline.
Comment: This sequence change replaces arginine, which is basic and polar, with cysteine, which is neutral and slightly polar, at codon 263 of the NPR2 protein (p.Arg263Cys). This variant is present in population databases (rs775557668, gnomAD 0.0009%). This variant has not been reported in the literature in individuals affected with NPR2-related conditions. ClinVar contains an entry for this variant (Variation ID: 2187203). Invitae Evidence Modeling of protein sequence and biophysical properties (such as structural, functional, and spatial information, amino acid conservation, physicochemical variation, residue mobility, and thermodynamic stability) indicates that this missense variant is not expected to disrupt NPR2 protein function with a negative predictive value of 80%. In summary, the available evidence is currently insufficient to determine the role of this variant in disease. Therefore, it has been classified as a Variant of Uncertain Significance.

PreventionGenetics, part of Exact Sciences
Classification: Uncertain significance for NPR2-related condition. Last evaluated: 2023-01-19. Review status: criteria provided, single submitter. Criteria: ACMG Guidelines, 2015. Collection method: clinical testing. Allele origin: germline.
Comment: The NPR2 c.787C>T variant is predicted to result in the amino acid substitution p.Arg263Cys. To our knowledge, this variant has not been reported in the literature. This variant is reported in 0.00088% of alleles in individuals of European (Non-Finnish) descent in gnomAD. An alternate missense variant at the same amino acid position has been reported to segregate with short stature in the heterozygous state, in three individuals of a three-generation pedigree (p.Arg263Pro; Vasques et al. 2013. PubMed ID: 24001744). Although we suspect this variant could be pathogenic, at this time, the clinical significance of this variant is uncertain due to insufficient functional and genetic evidence.

NM_003995.4(NPR2):c.787C>T (p.Arg263Cys)

Gene: NPR2 (natriuretic peptide receptor 2; plus strand). Cytogenetic location: 9p13.3.
Variant type: single nucleotide variant.
Coding change: c.787C>T on transcript NM_003995.4 (MANE Select); coding-DNA position 787, C replaced by T.
Protein change: p.Arg263Cys; replaces arginine 263 with cysteine.
Molecular consequence: missense variant.
Genome position (GRCh38, 1-based): chr9:35,794,017, C>T. VCF-style: chr9-35794017-C-T. GRCh37 (hg19) VCF-style: chr9-35794014-C-T.
Other names: c.787C>T (NM_003995.3); c.787C>T, p.Arg263Cys (NM_001378923.1); short protein forms R263C.
Identifiers: ClinVar variation 2187203 (VCV002187203.5), dbSNP rs775557668, ClinGen allele CA5051509.
Genomic context (GRCh38, chr9:35,794,017, plus strand): 5'-GAGAATCTGACCAATGGGGATTATGTCTTCTTTTACCTGGATGTCTTTGGGGAGAGTCTC[C>T]GTGCAGGCCCCACACGTGCTACAGGCCGGCCCTGGCAGGACAATCGCACCCGGGAACAGG-3'
Protein context (NP_003986.2, residues 253-273): FYLDVFGESL[Arg263Cys]AGPTRATGRP